The following is an entry in ClinVar:

NM_001367561.1(DOCK7):c.1531A>G (p.Ile511Val)

Gene: DOCK7 (dedicator of cytokinesis 7; minus strand). Cytogenetic location: 1p31.3.
Variant type: single nucleotide variant.
Coding change: c.1531A>G on transcript NM_001367561.1 (MANE Select); coding-DNA position 1531, A replaced by G.
Protein change: p.Ile511Val; replaces isoleucine 511 with valine.
Molecular consequence: missense variant.
Genome position (GRCh38, 1-based): chr1:62,618,857, T>C on the plus strand (A>G on the coding strand, the complement: DOCK7 is on the minus strand). VCF-style: chr1-62618857-T-C. GRCh37 (hg19) VCF-style: chr1-63084528-T-C.
Other names: c.1531A>G, p.Ile511Val (NM_001271999.2, NM_001272000.2, NM_001272001.2 and 3 more transcripts); c.1531A>G (NM_033407.2); short protein forms I511V.
Identifiers: ClinVar variation 1163734 (VCV001163734.9), dbSNP rs764347103, ClinGen allele CA886920.

ClinVar aggregate classification (germline): Uncertain significance. Review status: criteria provided, multiple submitters, no conflicts (2 of 4 stars). 4 submissions from 4 submitters: Uncertain significance (4). Last evaluated 2024-01-19.

Conditions:
Inborn genetic diseases. Identifiers: MedGen C0950123, MeSH D030342.
Developmental and epileptic encephalopathy, 23 (DEE23). Also called: Epileptic encephalopathy, early infantile, 23. Identifiers: Orphanet 411986, MedGen C4014492, MONDO:0014371, OMIM 615859.

Allele frequency attached by ClinVar (database versions not stated): ExAC 0.00001; gnomAD 0.00001; gnomAD exomes 0.00001 and 0.00002; TOPMed 0.00001.
gnomAD v4.1: 37 of 1,613,304 alleles (0.0023%); highest among the groups gnomAD compares: Middle Eastern, 0.016%; no homozygotes.

Submissions (4):

Ambry Genetics
Classification: Uncertain significance for Inborn genetic diseases. Last evaluated: 2024-01-19. Review status: criteria provided, single submitter. Criteria: Ambry Variant Classification Scheme 2023. Collection method: clinical testing. Allele origin: germline.

Genome-Nilou Lab
Classification: Uncertain significance for Developmental and epileptic encephalopathy, 23. Last evaluated: 2023-04-11. Review status: criteria provided, single submitter. Criteria: ACMG Guidelines, 2015. Collection method: clinical testing. Allele origin: germline. Affected: no.

Labcorp Genetics (formerly Invitae), Labcorp
Classification: Uncertain significance for Developmental and epileptic encephalopathy, 23. Last evaluated: 2022-04-06. Review status: criteria provided, single submitter. Criteria: Invitae Variant Classification Sherloc (09022015). Collection method: clinical testing. Allele origin: germline.
Comment: ClinVar contains an entry for this variant (Variation ID: 1163734). This variant has not been reported in the literature in individuals affected with DOCK7-related conditions. This variant is present in population databases (rs764347103, gnomAD 0.002%). This sequence change replaces isoleucine, which is neutral and non-polar, with valine, which is neutral and non-polar, at codon 511 of the DOCK7 protein (p.Ile511Val). In summary, the available evidence is currently insufficient to determine the role of this variant in disease. Therefore, it has been classified as a Variant of Uncertain Significance. Algorithms developed to predict the effect of missense changes on protein structure and function (SIFT, PolyPhen-2, Align-GVGD) all suggest that this variant is likely to be tolerated.

Mayo Clinic Laboratories, Mayo Clinic
Classification: Uncertain significance. Last evaluated: 2019-07-08. Review status: criteria provided, single submitter. Criteria: ACMG Guidelines, 2015. Collection method: clinical testing. Allele origin: germline. Observed: 1 variant allele.